The following is an entry in ClinVar:

NM_001958.5(EEF1A2):c.1029+3G>C

Gene: EEF1A2 (eukaryotic translation elongation factor 1 alpha 2; minus strand). Cytogenetic location: 20q13.33.
Variant type: single nucleotide variant.
Coding change: c.1029+3G>C on transcript NM_001958.5 (MANE Select); 3 bases into the intron after coding-DNA position 1029, G replaced by C.
Molecular consequence: intron variant.
Genome position (GRCh38, 1-based): chr20:63,490,476, C>G on the plus strand (G>C on the coding strand, the complement: EEF1A2 is on the minus strand). VCF-style: chr20-63490476-C-G. GRCh37 (hg19) VCF-style: chr20-62121829-C-G.
Other names: c.1029+3G>C (NM_001958.2).
Identifiers: ClinVar variation 1059380 (VCV001059380.11), dbSNP rs111392970, ClinGen allele CA9958992.

ClinVar aggregate classification (germline): Conflicting classifications of pathogenicity. Review status: criteria provided, conflicting classifications (1 of 4 stars). 2 submissions from 2 submitters: Uncertain significance (1); Likely benign (1). Last evaluated 2025-07-16.

Conditions:
Developmental and epileptic encephalopathy, 33 (DEE33). Also called: Epileptic encephalopathy, early infantile, 33. Identifiers: Orphanet 442835, MedGen C4225337, MONDO:0014625, OMIM 616409.
Inborn genetic diseases. Identifiers: MedGen C0950123, MeSH D030342.

gnomAD v4.1: 36 of 1,606,094 alleles (0.0022%); highest among the groups gnomAD compares: African/African-American, 0.0053%; no homozygotes.

Submissions (2):

Ambry Genetics
Classification: Likely benign for Inborn genetic diseases. Last evaluated: 2025-07-16. Review status: criteria provided, single submitter. Criteria: Ambry Variant Classification Scheme 2023. Collection method: clinical testing. Allele origin: germline.

Labcorp Genetics (formerly Invitae), Labcorp
Classification: Uncertain significance for Developmental and epileptic encephalopathy, 33. Last evaluated: 2024-10-24. Review status: criteria provided, single submitter. Criteria: Invitae Variant Classification Sherloc (09022015). Collection method: clinical testing. Allele origin: germline.
Comment: This sequence change falls in intron 6 of the EEF1A2 gene. It does not directly change the encoded amino acid sequence of the EEF1A2 protein. It affects a nucleotide within the consensus splice site. This variant is present in population databases (rs111392970, gnomAD 0.008%). This variant has been observed in individual(s) with EEF1A2-related conditions (internal data). ClinVar contains an entry for this variant (Variation ID: 1059380). Variants that disrupt the consensus splice site are a relatively common cause of aberrant splicing (PMID: 17576681, 9536098). Algorithms developed to predict the effect of sequence changes on RNA splicing suggest that this variant may disrupt the consensus splice site. In summary, the available evidence is currently insufficient to determine the role of this variant in disease. Therefore, it has been classified as a Variant of Uncertain Significance.

Literature cited by the submitters: PubMed 17576681 (cited by Labcorp Genetics (formerly Invitae), Labcorp); PubMed 9536098 (cited by Labcorp Genetics (formerly Invitae), Labcorp).